The following is an entry in ClinVar:

NM_032043.3(BRIP1):c.811G>A (p.Val271Ile)

Gene: BRIP1 (BRCA1 interacting DNA helicase 1; minus strand). Cytogenetic location: 17q23.2.
Variant type: single nucleotide variant.
Coding change: c.811G>A on transcript NM_032043.3 (MANE Select); coding-DNA position 811, G replaced by A.
Protein change: p.Val271Ile; replaces valine 271 with isoleucine.
Molecular consequence: missense variant.
Genome position (GRCh38, 1-based): chr17:61,808,574, C>T on the plus strand (G>A on the coding strand, the complement: BRIP1 is on the minus strand). VCF-style: chr17-61808574-C-T. GRCh37 (hg19) VCF-style: chr17-59885935-C-T.
Other names: short protein forms V271I.
Identifiers: ClinVar variation 1762080 (VCV001762080.2), dbSNP rs2145415586, ClinGen allele CA400484865.
Genomic context (GRCh38, chr17:61,808,574, plus strand): 5'-TACCGACTACCTCAGGATGGACACAAGTATGATCCCTGCTGGAAAGAATAGTCATTGGAA[C>T]CCCTGAATATGCCGTCCTCCGGAGCTCTCTAGTAATCTGAGCAATCTGCTTGTGTGTGCG-3'
Protein context (NP_114432.2, residues 261-281): RELRRTAYSG[Val271Ile]PMTILSSRDH

ClinVar aggregate classification (germline): Uncertain significance (1 of 4 stars; one submission).

Conditions:
Hereditary cancer-predisposing syndrome. Also called: Neoplastic Syndromes, Hereditary; Tumor predisposition; Hereditary Cancer Syndrome; Hereditary neoplastic syndrome. Identifiers: Orphanet 140162, MedGen C0027672, MeSH D009386, MONDO:0015356.

Submission:

Ambry Genetics
Classification: Uncertain significance for Hereditary cancer-predisposing syndrome. Last evaluated: 2021-06-08. Review status: criteria provided, single submitter. Criteria: Ambry Variant Classification Scheme 2023. Collection method: clinical testing. Allele origin: germline.
Comment: The p.V271I variant (also known as c.811G>A), located in coding exon 6 of the BRIP1 gene, results from a G to A substitution at nucleotide position 811. The valine at codon 271 is replaced by isoleucine, an amino acid with highly similar properties. This amino acid position is highly conserved in available vertebrate species. In addition, this alteration is predicted to be tolerated by in silico analysis. Since supporting evidence is limited at this time, the clinical significance of this alteration remains unclear.